The following is an entry in ClinVar:

ClinVar aggregate classification (germline): Conflicting classifications of pathogenicity. Review status: criteria provided, conflicting classifications (1 of 4 stars). 6 submissions from 6 submitters: Uncertain significance (1); Benign (3); Likely benign (2). Last evaluated 2026-01-19.

Conditions:
Usher syndrome type 2C. Also called: Usher syndrome, type 2B; USHER SYNDROME, TYPE IIC. Identifiers: Orphanet 231178, Orphanet 886, MedGen C2931213, MONDO:0011558, OMIM 605472.

Allele frequency attached by ClinVar (database versions not stated): gnomAD exomes 0.00004 and 0.00017; gnomAD 0.00017 and 0.00018; TOPMed 0.00018; ExAC 0.00023; 1000 Genomes Project 30x 0.00062; 1000 Genomes Project 0.00080.
gnomAD v4.1: 181 of 1,613,816 alleles (0.011%); highest among the groups gnomAD compares: East Asian, 0.15%; 3 homozygotes.

Submissions (6):

Labcorp Genetics (formerly Invitae), Labcorp
Classification: Benign. Last evaluated: 2026-01-19. Review status: criteria provided, single submitter. Criteria: Invitae Variant Classification Sherloc (09022015). Collection method: clinical testing. Allele origin: germline.

Blueprint Genetics
Classification: Likely benign. Last evaluated: 2024-11-01. Review status: criteria provided, single submitter. Criteria: ACMG Guidelines, 2015. Collection method: clinical testing. Allele origin: germline.

Athena Diagnostics
Classification: Benign. Last evaluated: 2021-05-19. Review status: criteria provided, single submitter. Criteria: Athena Diagnostics criteria. Collection method: clinical testing. Allele origin: unknown.

GeneDx
Classification: Benign. Last evaluated: 2019-02-15. Review status: criteria provided, single submitter. Criteria: GeneDx Variant Classification Process June 2021. Collection method: clinical testing. Allele origin: germline. Affected: yes.

Illumina Laboratory Services, Illumina
Classification: Uncertain significance for Usher syndrome type 2C. Last evaluated: 2018-01-13. Review status: criteria provided, single submitter. Criteria: ICSL Variant Classification Criteria 13 December 2019. Collection method: clinical testing. Allele origin: germline.

Laboratory for Molecular Medicine, Mass General Brigham Personalized Medicine
Classification: Likely benign. Last evaluated: 2017-06-20. Review status: criteria provided, single submitter. Criteria: LMM Criteria. Collection method: clinical testing. Allele origin: germline. Observed: 4 variant alleles.
Comment: p.Ser5157Ser in exon 74 of GPR98: This variant is not expected to have clinical significance because it does not alter an amino acid residue and is not predicte d to impact splicing. It has been identified in 0.2% (40/18870) of East Asian c hromosomes by the Genome Aggregation Database (gnomAD; dbSNP rs146082509).

NM_032119.4(ADGRV1):c.15471C>T (p.Ser5157=)

Gene: ADGRV1 (adhesion G protein-coupled receptor V1; plus strand). Cytogenetic location: 5q14.3.
Variant type: single nucleotide variant.
Coding change: c.15471C>T on transcript NM_032119.4 (MANE Select); coding-DNA position 15471, C replaced by T.
Protein change: p.Ser5157=; no amino-acid change (serine 5157 retained).
Molecular consequence: synonymous variant. On other transcripts: non-coding transcript variant (1).
Genome position (GRCh38, 1-based): chr5:90,810,731, C>T. VCF-style: chr5-90810731-C-T. GRCh37 (hg19) VCF-style: chr5-90106548-C-T.
Identifiers: ClinVar variation 46279 (VCV000046279.24), dbSNP rs146082509, ClinGen allele CA138045.